The following is an entry in ClinVar:

ClinVar aggregate classification (germline): Likely benign. Review status: criteria provided, single submitter (1 of 4 stars). 2 submissions from 2 submitters: Likely benign (1). 1 of the submissions does not count toward it. Last evaluated 2026-06-01.

Conditions:
MADD-related disorder. Also called: MADD-related condition; MADD-Related Disorders.

Allele frequency attached by ClinVar (database versions not stated): gnomAD exomes 0.00008; ExAC 0.00023; TOPMed 0.00082; gnomAD 0.00084; ESP Exome Variant Server 0.00092; 1000 Genomes Project 30x 0.00094; 1000 Genomes Project 0.00100.
gnomAD v4.1: 244 of 1,614,176 alleles (0.015%); highest among the groups gnomAD compares: African/African-American, 0.28%; no homozygotes.

Submissions (2):

CeGaT Center for Human Genetics Tuebingen
Classification: Likely benign. Last evaluated: 2026-06-01. Review status: criteria provided, single submitter. Criteria: CeGaT Center For Human Genetics Tuebingen Variant Classification Criteria Version 2. Collection method: clinical testing. Allele origin: germline. Affected: yes. Observed: 1 variant allele.
Comment: MADD: BP4

PreventionGenetics, part of Exact Sciences
Classification: Likely benign for MADD-related condition. Last evaluated: 2019-03-26. Review status: no assertion criteria provided. Collection method: clinical testing. Allele origin: germline. Not counted in ClinVar's aggregate classification.
Comment: This variant is classified as likely benign based on ACMG/AMP sequence variant interpretation guidelines (Richards et al. 2015 PMID: 25741868, with internal and published modifications).

NM_001376571.1(MADD):c.975G>A (p.Gln325=)

Gene: MADD (MAP kinase activating death domain; plus strand). Cytogenetic location: 11p11.2.
Variant type: single nucleotide variant.
Coding change: c.975G>A on transcript NM_001376571.1 (MANE Select); coding-DNA position 975, G replaced by A.
Protein change: p.Gln325=; no amino-acid change (glutamine 325 retained).
Molecular consequence: synonymous variant. On other transcripts: non-coding transcript variant (8).
Genome position (GRCh38, 1-based): chr11:47,276,743, G>A. VCF-style: chr11-47276743-G-A. GRCh37 (hg19) VCF-style: chr11-47298294-G-A.
Other names: c.771G>A, p.Gln257= (NM_001376648.1, NM_001376654.1, NM_001376657.1 and 9 more transcripts); c.975G>A, p.Gln325= (NM_001376649.1, NM_001376650.1, NM_001376651.1 and 80 more transcripts); c.309G>A, p.Gln103= (NM_001376663.1).
Identifiers: ClinVar variation 3048455 (VCV003048455.4), dbSNP rs147651255, ClinGen allele CA5974005.